The following is an entry in ClinVar:

ClinVar aggregate classification (germline): Uncertain significance (1 of 4 stars; one submission).

Allele frequency attached by ClinVar (database versions not stated): ExAC 0.00002; gnomAD 0.00002; TOPMed 0.00002.
gnomAD v4.1: 3 of 1,612,370 alleles (0.00019%); highest among the groups gnomAD compares: African/African-American, 0.004%; no homozygotes.

Submission:

Labcorp Genetics (formerly Invitae), Labcorp
Classification: Uncertain significance. Last evaluated: 2023-04-07. Review status: criteria provided, single submitter. Criteria: Invitae Variant Classification Sherloc (09022015). Collection method: clinical testing. Allele origin: germline.
Comment: In summary, the available evidence is currently insufficient to determine the role of this variant in disease. Therefore, it has been classified as a Variant of Uncertain Significance. An algorithm developed to predict the effect of missense changes on protein structure and function (PolyPhen-2) suggests that this variant is likely to be tolerated. This variant has not been reported in the literature in individuals affected with ANGPT1-related conditions. This variant is present in population databases (rs766381515, gnomAD 0.03%). This sequence change replaces glycine, which is neutral and non-polar, with glutamic acid, which is acidic and polar, at codon 321 of the ANGPT1 protein (p.Gly321Glu).

NM_001146.5(ANGPT1):c.962G>A (p.Gly321Glu)

Gene: ANGPT1 (angiopoietin 1; minus strand). Cytogenetic location: 8q23.1.
Variant type: single nucleotide variant.
Coding change: c.962G>A on transcript NM_001146.5 (MANE Select); coding-DNA position 962, G replaced by A.
Protein change: p.Gly321Glu; replaces glycine 321 with glutamic acid.
Molecular consequence: missense variant.
Genome position (GRCh38, 1-based): chr8:107,294,012, C>T on the plus strand (G>A on the coding strand, the complement: ANGPT1 is on the minus strand). VCF-style: chr8-107294012-C-T. GRCh37 (hg19) VCF-style: chr8-108306240-C-T.
Other names: c.959G>A, p.Gly320Glu (NM_001199859.3); c.362G>A, p.Gly121Glu (NM_001314051.2); short protein forms G320E, G121E, G321E.
Identifiers: ClinVar variation 2994059 (VCV002994059.3), dbSNP rs766381515, ClinGen allele CA4841216.